The following is an entry in ClinVar:

ClinVar aggregate classification (germline): Benign/Likely benign. Review status: criteria provided, multiple submitters, no conflicts (2 of 4 stars). 3 submissions from 3 submitters: Benign (2); Likely benign (1). Last evaluated 2023-03-01.

Allele frequency attached by ClinVar (database versions not stated): 1000 Genomes Project 30x 0.00031; 1000 Genomes Project 0.00040; TOPMed 0.00131; ESP Exome Variant Server 0.00161; gnomAD exomes 0.00255 and 0.00427; gnomAD 0.00378 and 0.00401; ExAC 0.00420.
gnomAD v4.1: 4,239 of 1,599,536 alleles (0.27%); highest among the groups gnomAD compares: Non-Finnish European, 0.21%; 38 homozygotes.

Submissions (3):

CeGaT Center for Human Genetics Tuebingen
Classification: Likely benign. Last evaluated: 2023-03-01. Review status: criteria provided, single submitter. Criteria: CeGaT Center For Human Genetics Tuebingen Variant Classification Criteria Version 2. Collection method: clinical testing. Allele origin: germline. Affected: yes. Observed: 2 variant alleles.
Comment: UGGT2: BS2

Labcorp Genetics (formerly Invitae), Labcorp
Classification: Benign. Last evaluated: 2018-04-06. Review status: criteria provided, single submitter. Criteria: Invitae Variant Classification Sherloc (09022015). Collection method: clinical testing. Allele origin: germline.

Breakthrough Genomics
Classification: Benign. Review status: criteria provided, single submitter. Criteria: ACMG Guidelines, 2015. Collection method: not provided. Allele origin: germline. Inheritance: Unknown mechanism. Affected: yes.

NM_020121.4(UGGT2):c.524C>T (p.Pro175Leu)

Gene: UGGT2 (UDP-glucose glycoprotein glucosyltransferase 2; minus strand). Cytogenetic location: 13q32.1.
Variant type: single nucleotide variant.
Coding change: c.524C>T on transcript NM_020121.4 (MANE Select); coding-DNA position 524, C replaced by T.
Protein change: p.Pro175Leu; replaces proline 175 with leucine.
Molecular consequence: missense variant.
Genome position (GRCh38, 1-based): chr13:96,013,443, G>A on the plus strand (C>T on the coding strand, the complement: UGGT2 is on the minus strand). VCF-style: chr13-96013443-G-A. GRCh37 (hg19) VCF-style: chr13-96665697-G-A.
Other names: short protein forms P175L.
Identifiers: ClinVar variation 774908 (VCV000774908.28), dbSNP rs148108950, ClinGen allele CA7023137.